The following is an entry in ClinVar:

NM_170675.5(MEIS2):c.1147+344A>G

Gene: MEIS2 (Meis homeobox 2; minus strand). Cytogenetic location: 15q14.
Variant type: single nucleotide variant.
Coding change: c.1147+344A>G on transcript NM_170675.5 (MANE Select); 344 bases into the intron after coding-DNA position 1147, A replaced by G.
Molecular consequence: intron variant. On other transcripts: missense variant (5), non-coding transcript variant (1).
Genome position (GRCh38, 1-based): chr15:36,894,807, T>C on the plus strand (A>G on the coding strand, the complement: MEIS2 is on the minus strand). VCF-style: chr15-36894807-T-C. GRCh37 (hg19) VCF-style: chr15-37187008-T-C.
Other names: c.1093A>G, p.Met365Val (NM_002399.4); c.1132A>G, p.Met378Val (NM_170674.5); c.1153A>G, p.Met385Val (NM_170677.5); c.1114A>G, p.Met372Val (NM_172315.3); c.868A>G, p.Met290Val (NM_172316.3); c.1126+344A>G (NM_001220482.2, NM_170676.5); short protein forms M290V, M378V, M385V, M365V, M372V.
Identifiers: ClinVar variation 2832170 (VCV002832170.3), dbSNP rs201131653, ClinGen allele CA7469170.
Genomic context (GRCh38, chr15:36,894,807, plus strand): 5'-ATGAAGGTTACATGTAGTGCCATTGCCCATCCATGCCCATATTCATGCCCATTCCACTCA[T>C]AGGTCCTAGAAAGGAGATAAAATCCAAGAAGAGGCCGGAAAATCAGCAATAATTGATGGT-3'

ClinVar aggregate classification (germline): Uncertain significance (1 of 4 stars; one submission).

Conditions:
Cardiac malformation, cleft lip/palate, microcephaly, and digital anomalies. Also called: CLEFT PALATE, CARDIAC DEFECTS, AND IMPAIRED INTELLECTUAL DEVELOPMENT. Identifiers: MedGen C1832950, MONDO:0010970, OMIM 600987.

Allele frequency attached by ClinVar (database versions not stated): gnomAD exomes below 0.00001; TOPMed below 0.00001; ExAC 0.00001.
gnomAD v4.1: 2 of 1,611,402 alleles (0.00012%); highest among the groups gnomAD compares: Non-Finnish European, 0.00017%; no homozygotes.

Submission:

Labcorp Genetics (formerly Invitae), Labcorp
Classification: Uncertain significance for Cardiac malformation, cleft lip/palate, microcephaly, and digital anomalies. Last evaluated: 2023-10-05. Review status: criteria provided, single submitter. Criteria: Invitae Variant Classification Sherloc (09022015). Collection method: clinical testing. Allele origin: germline.
Comment: This sequence change replaces methionine, which is neutral and non-polar, with valine, which is neutral and non-polar, at codon 378 of the MEIS2 protein (p.Met378Val). This variant is present in population databases (rs201131653, gnomAD 0.0009%). This variant has not been reported in the literature in individuals affected with MEIS2-related conditions. Advanced modeling of protein sequence and biophysical properties (such as structural, functional, and spatial information, amino acid conservation, physicochemical variation, residue mobility, and thermodynamic stability) performed at Invitae indicates that this missense variant is not expected to disrupt MEIS2 protein function. In summary, the available evidence is currently insufficient to determine the role of this variant in disease. Therefore, it has been classified as a Variant of Uncertain Significance.